The following is an entry in ClinVar:

ClinVar aggregate classification (germline): Pathogenic (1 of 4 stars; one submission).

gnomAD v4.1: 15 of 1,613,012 alleles (0.00093%); highest among the groups gnomAD compares: Middle Eastern, 0.016%; no homozygotes.

Submission:

Labcorp Genetics (formerly Invitae), Labcorp
Classification: Pathogenic. Last evaluated: 2024-03-16. Review status: criteria provided, single submitter. Criteria: Invitae Variant Classification Sherloc (09022015). Collection method: clinical testing. Allele origin: germline.
Comment: This sequence change creates a premature translational stop signal (p.Arg525*) in the TONSL gene. It is expected to result in an absent or disrupted protein product. Loss-of-function variants in TONSL are known to be pathogenic (PMID: 30773277). This variant is present in population databases (no rsID available, gnomAD 0.0009%). This variant has not been reported in the literature in individuals affected with TONSL-related conditions. For these reasons, this variant has been classified as Pathogenic.

Literature cited by the submitters: PubMed 30773277.

NM_013432.5(TONSL):c.1573C>T (p.Arg525Ter)

Genes: TONSL (tonsoku like, DNA repair protein; minus strand), TONSL-AS1 (TONSL antisense RNA 1; plus strand). Cytogenetic location: 8q24.3.
Variant type: single nucleotide variant.
Coding change: c.1573C>T on transcript NM_013432.5 (MANE Select); coding-DNA position 1573, C replaced by T.
Protein change: p.Arg525Ter; replaces arginine 525 with a stop codon.
Molecular consequence: nonsense.
Genome position (GRCh38, 1-based): chr8:144,438,551, G>A on the plus strand (C>T on the coding strand, the complement: TONSL is on the minus strand). VCF-style: chr8-144438551-G-A. GRCh37 (hg19) VCF-style: chr8-145663934-G-A.
Other names: short protein forms R525*.
Identifiers: ClinVar variation 3718102 (VCV003718102.2).